The following is an entry in ClinVar:

NM_015158.5(KANK1):c.149A>T (p.Asp50Val)

Gene: KANK1 (KN motif and ankyrin repeat domains 1; plus strand). Cytogenetic location: 9p24.3.
Variant type: single nucleotide variant.
Coding change: c.149A>T on transcript NM_015158.5 (MANE Select); coding-DNA position 149, A replaced by T.
Protein change: p.Asp50Val; replaces aspartic acid 50 with valine.
Molecular consequence: missense variant. On other transcripts: 5 prime UTR variant (12), non-coding transcript variant (1).
Genome position (GRCh38, 1-based): chr9:710,915, A>T. VCF-style: chr9-710915-A-T. GRCh37 (hg19) VCF-style: chr9-710915-A-T.
Other names: c.149A>T, p.Asp50Val (NM_001256876.3, NM_001256877.3, NM_001354331.2 and 2 more transcripts); c.-326A>T (NM_001354333.2, NM_001354335.2, NM_001354336.2 and 9 more transcripts); short protein forms D50V.
Identifiers: ClinVar variation 377350 (VCV000377350.68), dbSNP rs61737971, ClinGen allele CA4959857.

ClinVar aggregate classification (germline): Benign/Likely benign. Review status: criteria provided, multiple submitters, no conflicts (2 of 4 stars). 7 submissions from 7 submitters: Benign (2); Likely benign (4). 1 of the submissions does not count toward it. Last evaluated 2026-09-01.

Conditions:
Amyotrophic lateral sclerosis (ALS). Also called: Charcot disease; Lou Gehrig disease. Identifiers: Orphanet 803, MedGen C0002736, MONDO:0004976, HP:0007354.

Allele frequency attached by ClinVar (database versions not stated): 1000 Genomes Project 30x 0.00172; 1000 Genomes Project 0.00200; gnomAD 0.00555 and 0.00617; TOPMed 0.00699; ESP Exome Variant Server 0.00746.
gnomAD v4.1: 13,867 of 1,614,174 alleles (0.86%); highest among the groups gnomAD compares: Non-Finnish European, 1.1%; 82 homozygotes.

Submissions (7):

CeGaT Center for Human Genetics Tuebingen
Classification: Benign. Last evaluated: 2026-09-01. Review status: criteria provided, single submitter. Criteria: CeGaT Center For Human Genetics Tuebingen Variant Classification Criteria Version 2. Collection method: clinical testing. Allele origin: germline. Affected: yes. Observed: 37 variant alleles.
Comment: KANK1: BS1, BS2

Labcorp Genetics (formerly Invitae), Labcorp
Classification: Likely benign. Last evaluated: 2026-01-31. Review status: criteria provided, single submitter. Criteria: Invitae Variant Classification Sherloc (09022015). Collection method: clinical testing. Allele origin: germline.

GeneDx
Classification: Benign. Last evaluated: 2021-03-12. Review status: criteria provided, single submitter. Criteria: GeneDx Variant Classification Process June 2021. Collection method: clinical testing. Allele origin: germline. Affected: yes.

Eurofins Ntd Llc (ga)
Classification: Likely benign. Last evaluated: 2017-05-30. Review status: criteria provided, single submitter. Criteria: EGL Classification Definitions 2015. Collection method: clinical testing. Allele origin: germline. Observed: 1 variant allele, 1 heterozygote.

Center for Pediatric Genomic Medicine, Children's Mercy Hospital and Clinics
Classification: Likely benign. Last evaluated: 2016-12-28. Review status: criteria provided, single submitter. Criteria: ACMG Guidelines, 2015. Collection method: clinical testing. Allele origin: germline.
ClinVar note: Converted during submission from Likely Benign to Likely benign.

Breakthrough Genomics
Classification: Likely benign. Review status: criteria provided, single submitter. Criteria: ACMG Guidelines, 2015. Collection method: not provided. Allele origin: germline. Inheritance: Unknown mechanism. Affected: yes.

UM ALS/MND Lab, University Of Malta
Classification: Uncertain significance for Amyotrophic lateral sclerosis. Review status: no assertion criteria provided. Collection method: research. Allele origin: unknown. Inheritance: Sporadic. Affected: yes. Observed: 1 heterozygote. Not counted in ClinVar's aggregate classification.